The following is an entry in ClinVar:

ClinVar aggregate classification (germline): Uncertain significance (1 of 4 stars; one submission).

Allele frequency attached by ClinVar (database versions not stated): gnomAD exomes below 0.00001.
gnomAD v4.1: 3 of 1,593,636 alleles (0.00019%); highest among the groups gnomAD compares: Non-Finnish European, 0.00026%; no homozygotes.

Submission:

Labcorp Genetics (formerly Invitae), Labcorp
Classification: Uncertain significance. Last evaluated: 2025-10-21. Review status: criteria provided, single submitter. Criteria: Invitae Variant Classification Sherloc (09022015). Collection method: clinical testing. Allele origin: germline.
Comment: This sequence change replaces serine, which is neutral and polar, with leucine, which is neutral and non-polar, at codon 119 of the KMT2A protein (p.Ser119Leu). This variant is not present in population databases (gnomAD no frequency). This variant has not been reported in the literature in individuals affected with KMT2A-related conditions. ClinVar contains an entry for this variant (Variation ID: 1713467). Invitae Evidence Modeling of protein sequence and biophysical properties (such as structural, functional, and spatial information, amino acid conservation, physicochemical variation, residue mobility, and thermodynamic stability) indicates that this missense variant is expected to disrupt KMT2A protein function with a positive predictive value of 95%. In summary, the available evidence is currently insufficient to determine the role of this variant in disease. Therefore, it has been classified as a Variant of Uncertain Significance.

NM_001197104.2(KMT2A):c.356C>T (p.Ser119Leu)

Gene: KMT2A (lysine methyltransferase 2A; plus strand). Cytogenetic location: 11q23.3.
Variant type: single nucleotide variant.
Coding change: c.356C>T on transcript NM_001197104.2 (MANE Select); coding-DNA position 356, C replaced by T.
Protein change: p.Ser119Leu; replaces serine 119 with leucine.
Molecular consequence: missense variant.
Genome position (GRCh38, 1-based): chr11:118,436,868, C>T. VCF-style: chr11-118436868-C-T. GRCh37 (hg19) VCF-style: chr11-118307583-C-T.
Other names: c.356C>T, p.Ser119Leu (NM_001412597.1, NM_005933.4); short protein forms S119L.
Identifiers: ClinVar variation 1713467 (VCV001713467.5), dbSNP rs2134154963, ClinGen allele CA382798409.